The following is an entry in ClinVar:

NM_001292063.2(OTOG):c.1158G>A (p.Ala386=)

Gene: OTOG (otogelin; plus strand). Cytogenetic location: 11p15.1.
Variant type: single nucleotide variant.
Coding change: c.1158G>A on transcript NM_001292063.2 (MANE Select); coding-DNA position 1158, G replaced by A.
Protein change: p.Ala386=; no amino-acid change (alanine 386 retained).
Molecular consequence: synonymous variant.
Genome position (GRCh38, 1-based): chr11:17,559,106, G>A. VCF-style: chr11-17559106-G-A. GRCh37 (hg19) VCF-style: chr11-17580653-G-A.
Other names: p.Ala398=; c.1194G>A, p.Ala398= (NM_001277269.2).
Identifiers: ClinVar variation 226861 (VCV000226861.18), dbSNP rs61731248, ClinGen allele CA5905456.

ClinVar aggregate classification (germline): Benign. Review status: criteria provided, multiple submitters, no conflicts (2 of 4 stars). 7 submissions from 7 submitters: Benign (6). 1 of the submissions does not count toward it. Last evaluated 2026-02-03.

Conditions:
OTOG-related disorder. Also called: OTOG-related condition.

Allele frequency attached by ClinVar (database versions not stated): ExAC 0.01138; gnomAD 0.03660 and 0.03769; gnomAD exomes 0.00719 and 0.02035; 1000 Genomes Project 30x 0.05278; 1000 Genomes Project 0.05312; TOPMed 0.04489.
gnomAD v4.1: 15,888 of 1,545,220 alleles (1%); highest among the groups gnomAD compares: African/African-American, 11%; 727 homozygotes.

Submissions (7):

Labcorp Genetics (formerly Invitae), Labcorp
Classification: Benign. Last evaluated: 2026-02-03. Review status: criteria provided, single submitter. Criteria: Invitae Variant Classification Sherloc (09022015). Collection method: clinical testing. Allele origin: germline.

Mayo Clinic Laboratories, Mayo Clinic
Classification: Benign. Last evaluated: 2022-04-17. Review status: criteria provided, single submitter. Criteria: ACMG Guidelines, 2015. Collection method: clinical testing. Allele origin: germline. Observed: 4 variant alleles.

Athena Diagnostics
Classification: Benign. Last evaluated: 2018-08-31. Review status: criteria provided, single submitter. Criteria: Athena Diagnostics Criteria. Collection method: clinical testing. Allele origin: germline.

GeneDx
Classification: Benign. Last evaluated: 2017-08-03. Review status: criteria provided, single submitter. Criteria: GeneDx Variant Classification (06012015). Collection method: clinical testing. Allele origin: germline. Affected: yes.
Comment: This variant is considered likely benign or benign based on one or more of the following criteria: it is a conservative change, it occurs at a poorly conserved position in the protein, it is predicted to be benign by multiple in silico algorithms, and/or has population frequency not consistent with disease.

Laboratory for Molecular Medicine, Mass General Brigham Personalized Medicine
Classification: Benign. Last evaluated: 2014-11-24. Review status: criteria provided, single submitter. Criteria: LMM Criteria. Collection method: clinical testing. Allele origin: germline. Observed: 46 variant alleles.
Comment: Ala398Ala in exon 10 of OTOG: This variant is not expected to have clinical sign ificance because it does not alter an amino acid residue and is not located with in the splice consensus sequence. It has been identified in 11.5% (23/200) of Ha n Chinese chromosomes from a broad population by the 1000 Genomes Project (dbSNP rs61731248).

Breakthrough Genomics
Classification: Benign. Review status: criteria provided, single submitter. Criteria: ACMG Guidelines, 2015. Collection method: not provided. Allele origin: germline. Inheritance: Autosomal recessive inheritance. Affected: yes.

PreventionGenetics, part of Exact Sciences
Classification: Benign for OTOG-related condition. Last evaluated: 2019-05-17. Review status: no assertion criteria provided. Collection method: clinical testing. Allele origin: germline. Not counted in ClinVar's aggregate classification.
Comment: This variant is classified as benign based on ACMG/AMP sequence variant interpretation guidelines (Richards et al. 2015 PMID: 25741868, with internal and published modifications).